The following is an entry in ClinVar:

NM_021083.4(XK):c.1028A>G (p.Tyr343Cys)

Gene: XK (X-linked Kx blood group antigen, Kell and VPS13A binding protein; plus strand). Cytogenetic location: Xp21.1.
Variant type: single nucleotide variant.
Coding change: c.1028A>G on transcript NM_021083.4 (MANE Select); coding-DNA position 1028, A replaced by G.
Protein change: p.Tyr343Cys; replaces tyrosine 343 with cysteine.
Molecular consequence: missense variant.
Genome position (GRCh38, 1-based): chrX:37,728,155, A>G. VCF-style: chrX-37728155-A-G. GRCh37 (hg19) VCF-style: chrX-37587408-A-G.
Other names: short protein forms Y343C.
Identifiers: ClinVar variation 4698677 (VCV004698677.1).

ClinVar aggregate classification (germline): Uncertain significance (1 of 4 stars; one submission).

gnomAD v4.1: 13 of 1,211,340 alleles (0.0011%); highest among the groups gnomAD compares: South Asian, 0.0018%; no homozygotes.

Submission:

Labcorp Genetics (formerly Invitae), Labcorp
Classification: Uncertain significance. Last evaluated: 2025-08-23. Review status: criteria provided, single submitter. Criteria: Invitae Variant Classification Sherloc (09022015). Collection method: clinical testing. Allele origin: germline.
Comment: This sequence change replaces tyrosine, which is neutral and polar, with cysteine, which is neutral and slightly polar, at codon 343 of the XK protein (p.Tyr343Cys). This variant is not present in population databases (gnomAD no frequency). This variant has not been reported in the literature in individuals affected with XK-related conditions. Invitae Evidence Modeling of protein sequence and biophysical properties (such as structural, functional, and spatial information, amino acid conservation, physicochemical variation, residue mobility, and thermodynamic stability) indicates that this missense variant is not expected to disrupt XK protein function with a negative predictive value of 80%. In summary, the available evidence is currently insufficient to determine the role of this variant in disease. Therefore, it has been classified as a Variant of Uncertain Significance.